The following is an entry in ClinVar:

NM_001384474.1(LOXHD1):c.2359C>T (p.Arg787Cys)

Gene: LOXHD1 (lipoxygenase homology PLAT domains 1; minus strand). Cytogenetic location: 18q21.1.
Variant type: single nucleotide variant.
Coding change: c.2359C>T on transcript NM_001384474.1 (MANE Select); coding-DNA position 2359, C replaced by T.
Protein change: p.Arg787Cys; replaces arginine 787 with cysteine.
Molecular consequence: missense variant.
Genome position (GRCh38, 1-based): chr18:46,566,335, G>A on the plus strand (C>T on the coding strand, the complement: LOXHD1 is on the minus strand). VCF-style: chr18-46566335-G-A. GRCh37 (hg19) VCF-style: chr18-44146298-G-A.
Other names: c.2359C>T, p.Arg787Cys (NM_144612.7); short protein forms R787C.
Identifiers: ClinVar variation 2138149 (VCV002138149.2), dbSNP rs564297037, ClinGen allele CA8952679.

ClinVar aggregate classification (germline): Uncertain significance. Review status: criteria provided, multiple submitters, no conflicts (2 of 4 stars). 2 submissions from 2 submitters: Uncertain significance (2). Last evaluated 2024-10-21.

Allele frequency attached by ClinVar (database versions not stated): ExAC 0.00018; 1000 Genomes Project 30x 0.00031; 1000 Genomes Project 0.00040.
gnomAD v4.1: 81 of 1,551,868 alleles (0.0052%); highest among the groups gnomAD compares: African/African-American, 0.025%; no homozygotes.

Submissions (2):

Blueprint Genetics
Classification: Uncertain significance. Last evaluated: 2024-10-21. Review status: criteria provided, single submitter. Criteria: ACMG Guidelines, 2015. Collection method: clinical testing. Allele origin: germline.

Labcorp Genetics (formerly Invitae), Labcorp
Classification: Uncertain significance. Last evaluated: 2022-04-28. Review status: criteria provided, single submitter. Criteria: Invitae Variant Classification Sherloc (09022015). Collection method: clinical testing. Allele origin: germline.
Comment: This sequence change replaces arginine, which is basic and polar, with cysteine, which is neutral and slightly polar, at codon 787 of the LOXHD1 protein (p.Arg787Cys). This variant is present in population databases (rs564297037, gnomAD 0.05%). This missense change has been observed in individual(s) with Fuchs corneal dystrophy (PMID: 22341973). Algorithms developed to predict the effect of missense changes on protein structure and function are either unavailable or do not agree on the potential impact of this missense change (SIFT: "Deleterious"; PolyPhen-2: "Benign"; Align-GVGD: "Class C0"). In summary, the available evidence is currently insufficient to determine the role of this variant in disease. Therefore, it has been classified as a Variant of Uncertain Significance.

Literature cited by the submitters: PubMed 22341973 (cited by Labcorp Genetics (formerly Invitae), Labcorp).